The following is an entry in ClinVar:

ClinVar aggregate classification (germline): Uncertain significance (1 of 4 stars; one submission).

Submission:

Labcorp Genetics (formerly Invitae), Labcorp
Classification: Uncertain significance. Last evaluated: 2026-01-05. Review status: criteria provided, single submitter. Criteria: Invitae Variant Classification Sherloc (09022015). Collection method: clinical testing. Allele origin: germline.
Comment: This sequence change replaces glutamic acid, which is acidic and polar, with lysine, which is basic and polar, at codon 1361 of the KAT6A protein (p.Glu1361Lys). This variant is not present in population databases (gnomAD no frequency). This variant has not been reported in the literature in individuals affected with KAT6A-related conditions. ClinVar contains an entry for this variant (Variation ID: 3620391). Invitae Evidence Modeling of protein sequence and biophysical properties (such as structural, functional, and spatial information, amino acid conservation, physicochemical variation, residue mobility, and thermodynamic stability) indicates that this missense variant is not expected to disrupt KAT6A protein function with a negative predictive value of 95%. In summary, the available evidence is currently insufficient to determine the role of this variant in disease. Therefore, it has been classified as a Variant of Uncertain Significance.

NM_006766.5(KAT6A):c.4081G>A (p.Glu1361Lys)

Gene: KAT6A (lysine acetyltransferase 6A; minus strand). Cytogenetic location: 8p11.21.
Variant type: single nucleotide variant.
Coding change: c.4081G>A on transcript NM_006766.5 (MANE Select); coding-DNA position 4081, G replaced by A.
Protein change: p.Glu1361Lys; replaces glutamic acid 1361 with lysine.
Molecular consequence: missense variant.
Genome position (GRCh38, 1-based): chr8:41,934,139, C>T on the plus strand (G>A on the coding strand, the complement: KAT6A is on the minus strand). VCF-style: chr8-41934139-C-T. GRCh37 (hg19) VCF-style: chr8-41791657-C-T.
Other names: short protein forms E1361K.
Identifiers: ClinVar variation 3620391 (VCV003620391.2).